The following is an entry in ClinVar:

ClinVar aggregate classification (germline): Uncertain significance. Review status: criteria provided, multiple submitters, no conflicts (2 of 4 stars). 3 submissions from 3 submitters: Uncertain significance (3). Last evaluated 2023-07-12.

Conditions:
Hereditary cancer-predisposing syndrome. Also called: Tumor predisposition; Hereditary Cancer Syndrome; Neoplastic Syndromes, Hereditary; Hereditary neoplastic syndrome. Identifiers: Orphanet 140162, MedGen C0027672, MeSH D009386, MONDO:0015356.
Endometrial carcinoma. Also called: Endometrial carcinoma, somatic. Identifiers: MedGen C0476089, MONDO:0002447, OMIM 608089, HP:0012114.

gnomAD v4.1: 3 of 1,611,052 alleles (0.00019%); highest among the groups gnomAD compares: Admixed American, 0.0017%; 1 homozygote.

Submissions (3):

Baylor Genetics
Classification: Uncertain significance for Endometrial carcinoma. Last evaluated: 2023-07-12. Review status: criteria provided, single submitter. Criteria: ACMG Guidelines, 2015. Collection method: clinical testing. Allele origin: unknown.

Labcorp Genetics (formerly Invitae), Labcorp
Classification: Uncertain significance. Last evaluated: 2023-03-19. Review status: criteria provided, single submitter. Criteria: Invitae Variant Classification Sherloc (09022015). Collection method: clinical testing. Allele origin: germline.
Comment: In summary, the available evidence is currently insufficient to determine the role of this variant in disease. Therefore, it has been classified as a Variant of Uncertain Significance. An algorithm developed to predict the effect of missense changes on protein structure and function (PolyPhen-2) suggests that this variant is likely to be disruptive. ClinVar contains an entry for this variant (Variation ID: 1794046). This sequence change replaces tyrosine, which is neutral and polar, with serine, which is neutral and polar, at codon 877 of the MSH3 protein (p.Tyr877Ser). This variant is present in population databases (no rsID available, gnomAD 0.003%). This variant has not been reported in the literature in individuals affected with MSH3-related conditions.

Ambry Genetics
Classification: Uncertain significance for Hereditary cancer-predisposing syndrome. Last evaluated: 2021-12-01. Review status: criteria provided, single submitter. Criteria: Ambry Variant Classification Scheme 2023. Collection method: clinical testing. Allele origin: germline.
Comment: The p.Y877S variant (also known as c.2630A>C), located in coding exon 19 of the MSH3 gene, results from an A to C substitution at nucleotide position 2630. The tyrosine at codon 877 is replaced by serine, an amino acid with dissimilar properties. This amino acid position is conserved. In addition, the in silico prediction for this alteration is inconclusive. Since supporting evidence is limited at this time, the clinical significance of this alteration remains unclear.

NM_002439.5(MSH3):c.2630A>C (p.Tyr877Ser)

Gene: MSH3 (mutS homolog 3; plus strand). Cytogenetic location: 5q14.1.
Variant type: single nucleotide variant.
Coding change: c.2630A>C on transcript NM_002439.5 (MANE Select); coding-DNA position 2630, A replaced by C.
Protein change: p.Tyr877Ser; replaces tyrosine 877 with serine.
Molecular consequence: missense variant.
Genome position (GRCh38, 1-based): chr5:80,792,819, A>C. VCF-style: chr5-80792819-A-C. GRCh37 (hg19) VCF-style: chr5-80088638-A-C.
Other names: short protein forms Y877S.
Identifiers: ClinVar variation 1794046 (VCV001794046.6), dbSNP rs1290348286, ClinGen allele CA360273016.